The following is an entry in ClinVar:

ClinVar aggregate classification (germline): Uncertain significance. Review status: criteria provided, multiple submitters, no conflicts (2 of 4 stars). 3 submissions from 3 submitters: Uncertain significance (2). 1 of the submissions does not count toward it. Last evaluated 2021-09-01.

Conditions:
Familial thoracic aortic aneurysm and aortic dissection (TAAD). Also called: Thoracic aortic aneurysms and dissections. Identifiers: Orphanet 91387, MedGen C4707243, MONDO:0019625.
Classic homocystinuria. Also called: Homocystinuria due to Cystathionine Beta-Synthase Deficiency; Homocystinuria due to CBS deficiency; Cystathionine beta-synthase deficiency; CBS deficiency; HOMOCYSTINURIA WITH OR WITHOUT RESPONSE TO PYRIDOXINE. Identifiers: Orphanet 394, MedGen C0751202, MONDO:0009352, OMIM 236200.
HYPERHOMOCYSTEINEMIA, THROMBOTIC, CBS-RELATED. Identifiers: MedGen C3150344, OMIM 236200.

Allele frequency attached by ClinVar (database versions not stated): gnomAD exomes 0.00001.

Submissions (3):

Labcorp Genetics (formerly Invitae), Labcorp
Classification: Uncertain significance for HYPERHOMOCYSTEINEMIA, THROMBOTIC, CBS-RELATED. Last evaluated: 2021-09-01. Review status: criteria provided, single submitter. Criteria: Invitae Variant Classification Sherloc (09022015). Collection method: clinical testing. Allele origin: germline.
Comment: This sequence change replaces alanine with valine at codon 183 of the CBS protein (p.Ala183Val). The alanine residue is moderately conserved and there is a small physicochemical difference between alanine and valine. This variant is not present in population databases (ExAC no frequency). This variant has not been reported in the literature in individuals affected with CBS-related conditions. ClinVar contains an entry for this variant (Variation ID: 263808). Algorithms developed to predict the effect of missense changes on protein structure and function are either unavailable or do not agree on the potential impact of this missense change (SIFT: "Tolerated"; PolyPhen-2: "Possibly Damaging"; Align-GVGD: "Class C0"). Algorithms developed to predict the effect of sequence changes on RNA splicing suggest that this variant may create or strengthen a splice site. In summary, the available evidence is currently insufficient to determine the role of this variant in disease. Therefore, it has been classified as a Variant of Uncertain Significance.

Ambry Genetics
Classification: Uncertain significance for Familial thoracic aortic aneurysm and aortic dissection. Last evaluated: 2019-05-07. Review status: criteria provided, single submitter. Criteria: Ambry Variant Classification Scheme 2023. Collection method: clinical testing. Allele origin: germline.
Comment: The p.A183V variant (also known as c.548C>T) is located in coding exon 5 of the CBS gene. This alteration results from a C to T substitution at nucleotide position 548. The alanine at codon 183 is replaced by valine, an amino acid with some similar properties. Based on protein sequence alignment, this amino acid position is conserved in available vertebrate species except for one species of fish. In addition, this alteration is predicted to be deleterious by in silico analysis. Since supporting evidence is limited at this time, the clinical significance of this variant remains unclear.

Natera, Inc.
Classification: Uncertain significance for Homocystinuria due to cystathionine beta-synthase deficiency. Last evaluated: 2020-08-04. Review status: no assertion criteria provided. Collection method: clinical testing. Allele origin: germline. Not counted in ClinVar's aggregate classification.

NM_000071.3(CBS):c.548C>T (p.Ala183Val)

Gene: CBS (cystathionine beta-synthase; minus strand). Cytogenetic location: 21q22.3.
Variant type: single nucleotide variant.
Coding change: c.548C>T on transcript NM_000071.3 (MANE Select); coding-DNA position 548, C replaced by T.
Protein change: p.Ala183Val; replaces alanine 183 with valine.
Molecular consequence: missense variant.
Genome position (GRCh38, 1-based): chr21:43,065,505, G>A on the plus strand (C>T on the coding strand, the complement: CBS is on the minus strand). VCF-style: chr21-43065505-G-A. GRCh37 (hg19) VCF-style: chr21-44485615-G-A.
Other names: c.548C>T, p.Ala183Val (NM_001178008.3, NM_001178009.3, NM_001320298.2); c.233C>T, p.Ala78Val (NM_001321072.1); short protein forms A183V, A78V.
Identifiers: ClinVar variation 263808 (VCV000263808.11), dbSNP rs374464810, ClinGen allele CA10587946.